The following is an entry in ClinVar:

ClinVar aggregate classification (germline): Uncertain significance (1 of 4 stars; one submission).

Conditions:
Epidermolysis bullosa simplex 3, localized or generalized intermediate, with BP230 deficiency (EBS3). Also called: Epidermolysis bullosa simplex due to BP230 deficiency; Epidermolysis bullosa simplex, autosomal recessive 2. Identifiers: Orphanet 412181, MedGen C3809470, MONDO:0014180, OMIM 615425.
Hereditary sensory and autonomic neuropathy type 6. Also called: HSAN VI; Neuropathy, hereditary sensory and autonomic, type VI. Identifiers: Orphanet 314381, MedGen C3539003, MONDO:0013839, OMIM 614653.

Allele frequency attached by ClinVar (database versions not stated): gnomAD exomes below 0.00001; TOPMed below 0.00001.
gnomAD v4.1: 4 of 1,613,382 alleles (0.00025%); highest among the groups gnomAD compares: Non-Finnish European, 0.00034%; no homozygotes.

Submission:

Labcorp Genetics (formerly Invitae), Labcorp
Classification: Uncertain significance for Epidermolysis bullosa simplex 3, localized or generalized intermediate, with BP230 deficiency; Hereditary sensory and autonomic neuropathy type 6. Last evaluated: 2020-08-03. Review status: criteria provided, single submitter. Criteria: Invitae Variant Classification Sherloc (09022015). Collection method: clinical testing. Allele origin: germline.
Comment: This variant is not present in population databases (ExAC no frequency). In summary, the available evidence is currently insufficient to determine the role of this variant in disease. Therefore, it has been classified as a Variant of Uncertain Significance. Experimental studies and prediction algorithms are not available or were not evaluated, and the functional significance of this variant is currently unknown. This variant has not been reported in the literature in individuals with DST-related conditions. This sequence change replaces leucine with valine at codon 4549 of the DST protein (p.Leu4549Val). The leucine residue is moderately conserved and there is a small physicochemical difference between the two amino acids. The DST gene has multiple clinically relevant transcripts. This variant occurs in alternate transcript NM_015548.4, and corresponds to NM_001723.5:c.*133450C>G in the primary transcript.

NM_001374736.1(DST):c.21514C>G (p.Leu7172Val)

Gene: DST (dystonin; minus strand). Cytogenetic location: 6p12.1.
Variant type: single nucleotide variant.
Coding change: c.21514C>G on transcript NM_001374736.1 (MANE Select); coding-DNA position 21514, C replaced by G.
Protein change: p.Leu7172Val; replaces leucine 7172 with valine.
Molecular consequence: missense variant.
Genome position (GRCh38, 1-based): chr6:56,482,067, G>C on the plus strand (C>G on the coding strand, the complement: DST is on the minus strand). VCF-style: chr6-56482067-G-C. GRCh37 (hg19) VCF-style: chr6-56346865-G-C.
Other names: c.15157C>G, p.Leu5053Val (NM_001144769.5); c.14743C>G, p.Leu4915Val (NM_001144770.2); c.21514C>G, p.Leu7172Val (NM_001374722.1); c.20554C>G, p.Leu6852Val (NM_001374729.1); c.14296C>G, p.Leu4766Val (NM_001374730.1); c.21541C>G, p.Leu7181Val (NM_001374734.1); c.14623C>G, p.Leu4875Val (NM_001386100.1, NM_183380.4); c.13645C>G, p.Leu4549Val (NM_015548.5); short protein forms L4549V, L4766V, L4875V, L4915V, L5053V, L6852V, L7172V, L7181V.
Identifiers: ClinVar variation 1010738 (VCV001010738.7), dbSNP rs1461679972, ClinGen allele CA364511756.